The following is an entry in ClinVar:

NM_002661.5(PLCG2):c.578A>G (p.His193Arg)

Gene: PLCG2 (phospholipase C gamma 2; plus strand). Cytogenetic location: 16q23.3.
Variant type: single nucleotide variant.
Coding change: c.578A>G on transcript NM_002661.5 (MANE Select); coding-DNA position 578, A replaced by G.
Protein change: p.His193Arg; replaces histidine 193 with arginine.
Molecular consequence: missense variant.
Genome position (GRCh38, 1-based): chr16:81,870,865, A>G. VCF-style: chr16-81870865-A-G. GRCh37 (hg19) VCF-style: chr16-81904470-A-G.
Other names: c.578A>G, p.His193Arg (NM_001425749.1, NM_001425750.1, NM_001425751.1); short protein forms H193R.
Identifiers: ClinVar variation 4724461 (VCV004724461.1).

ClinVar aggregate classification (germline): Uncertain significance (1 of 4 stars; one submission).

Conditions:
Familial cold autoinflammatory syndrome 3 (FCAS3). Also called: FAMILIAL ATYPICAL COLD URTICARIA; ANTIBODY DEFICIENCY AND IMMUNE DYSREGULATION, PLCG2-ASSOCIATED. Identifiers: Orphanet 300359, MedGen C3280914, MONDO:0013766, OMIM 614468.

gnomAD v4.1: 1 of 1,596,820 alleles (0.000063%); no homozygotes.

Submission:

Labcorp Genetics (formerly Invitae), Labcorp
Classification: Uncertain significance for Familial cold autoinflammatory syndrome 3. Last evaluated: 2025-08-14. Review status: criteria provided, single submitter. Criteria: Invitae Variant Classification Sherloc (09022015). Collection method: clinical testing. Allele origin: germline.
Comment: This sequence change replaces histidine, which is basic and polar, with arginine, which is basic and polar, at codon 193 of the PLCG2 protein (p.His193Arg). This variant is not present in population databases (gnomAD no frequency). This variant has not been reported in the literature in individuals affected with PLCG2-related conditions. An algorithm developed to predict the effect of missense changes on protein structure and function (PolyPhen-2) suggests that this variant is likely to be tolerated. In summary, the available evidence is currently insufficient to determine the role of this variant in disease. Therefore, it has been classified as a Variant of Uncertain Significance.